The following is an entry in ClinVar:

ClinVar aggregate classification (germline): Conflicting classifications of pathogenicity. Review status: criteria provided, conflicting classifications (1 of 4 stars). 3 submissions from 3 submitters: Uncertain significance (1); Likely benign (2). Last evaluated 2026-07-01.

Conditions:
ABCC2-related disorder. Also called: ABCC2-related condition.

Allele frequency attached by ClinVar (database versions not stated): gnomAD exomes 0.00001 and 0.00002; TOPMed 0.00001; ExAC 0.00002; gnomAD 0.00002.
gnomAD v4.1: 15 of 1,614,032 alleles (0.00093%); highest among the groups gnomAD compares: African/African-American, 0.0053%; no homozygotes.

Submissions (3):

PreventionGenetics, part of Exact Sciences
Classification: Likely benign for ABCC2-related condition. Last evaluated: 2026-07-01. Review status: criteria provided, single submitter. Criteria: ACMG Guidelines, 2015. Collection method: clinical testing. Allele origin: germline.
Comment: This variant is classified as likely benign based on ACMG/AMP sequence variant interpretation guidelines (Richards et al. 2015 PMID: 25741868, with internal and published modifications).

Labcorp Genetics (formerly Invitae), Labcorp
Classification: Likely benign. Last evaluated: 2023-10-27. Review status: criteria provided, single submitter. Criteria: Invitae Variant Classification Sherloc (09022015). Collection method: clinical testing. Allele origin: germline.

Eurofins Ntd Llc (ga)
Classification: Uncertain significance. Last evaluated: 2018-05-29. Review status: criteria provided, single submitter. Criteria: EGL ClinVar v180209 classification definitions. Collection method: clinical testing. Allele origin: germline. Observed: 1 variant allele, 1 heterozygote.

NM_000392.5(ABCC2):c.4431G>A (p.Thr1477=)

Gene: ABCC2 (ATP binding cassette subfamily C member 2; plus strand). Cytogenetic location: 10q24.2.
Variant type: single nucleotide variant.
Coding change: c.4431G>A on transcript NM_000392.5 (MANE Select); coding-DNA position 4431, G replaced by A.
Protein change: p.Thr1477=; no amino-acid change (threonine 1477 retained).
Molecular consequence: synonymous variant.
Genome position (GRCh38, 1-based): chr10:99,850,719, G>A. VCF-style: chr10-99850719-G-A. GRCh37 (hg19) VCF-style: chr10-101610476-G-A.
Other names: c.4431G>A, p.Thr1477= (LRG_1208t1); c.4431G>A (NM_000392.4).
Identifiers: ClinVar variation 597370 (VCV000597370.9), dbSNP rs146718433, ClinGen allele CA5644133.